The following is an entry in ClinVar:

ClinVar aggregate classification (germline): Likely benign. Review status: criteria provided, multiple submitters, no conflicts (2 of 4 stars). 2 submissions from 2 submitters: Likely benign (2). Last evaluated 2026-01-01.

gnomAD v4.1: 35 of 1,610,122 alleles (0.0022%); highest among the groups gnomAD compares: Non-Finnish European, 0.0028%; no homozygotes.

Submissions (2):

CeGaT Center for Human Genetics Tuebingen
Classification: Likely benign. Last evaluated: 2026-01-01. Review status: criteria provided, single submitter. Criteria: CeGaT Center For Human Genetics Tuebingen Variant Classification Criteria Version 2. Collection method: clinical testing. Allele origin: germline. Affected: yes. Observed: 1 variant allele.
Comment: MACF1: BP4

Blueprint Genetics
Classification: Likely benign. Last evaluated: 2018-08-24. Review status: criteria provided, single submitter. Criteria: ACMG Guidelines, 2015. Collection method: clinical testing. Allele origin: germline.

NM_001394062.1(MACF1):c.11429G>A (p.Arg3810His)

Gene: MACF1 (microtubule actin crosslinking factor 1; plus strand). Cytogenetic location: 1p34.3.
Variant type: single nucleotide variant.
Coding change: c.11429G>A on transcript NM_001394062.1 (MANE Select); coding-DNA position 11429, G replaced by A.
Protein change: p.Arg3810His; replaces arginine 3810 with histidine.
Molecular consequence: missense variant.
Genome position (GRCh38, 1-based): chr1:39,357,379, G>A. VCF-style: chr1-39357379-G-A. GRCh37 (hg19) VCF-style: chr1-39823051-G-A.
Other names: c.5243G>A, p.Arg1748His (NM_012090.5); short protein forms R1748H, R3810H.
Identifiers: ClinVar variation 4822082 (VCV004822082.5).